The following is an entry in ClinVar:

ClinVar aggregate classification (germline): Benign/Likely benign. Review status: criteria provided, multiple submitters, no conflicts (2 of 4 stars). 2 submissions from 2 submitters: Benign (1); Likely benign (1). Last evaluated 2024-12-16.

Allele frequency attached by ClinVar (database versions not stated): gnomAD 0.00001; gnomAD exomes 0.00001 and 0.00003; ExAC 0.00002; TOPMed 0.00002.
gnomAD v4.1: 23 of 1,613,672 alleles (0.0014%); highest among the groups gnomAD compares: Non-Finnish European, 0.0018%; no homozygotes.

Submissions (2):

Labcorp Genetics (formerly Invitae), Labcorp
Classification: Benign. Last evaluated: 2024-12-16. Review status: criteria provided, single submitter. Criteria: Invitae Variant Classification Sherloc (09022015). Collection method: clinical testing. Allele origin: germline.

CeGaT Center for Human Genetics Tuebingen
Classification: Likely benign. Last evaluated: 2022-11-01. Review status: criteria provided, single submitter. Criteria: CeGaT Center For Human Genetics Tuebingen Variant Classification Criteria Version 2. Collection method: clinical testing. Allele origin: germline. Affected: yes. Observed: 1 variant allele.
Comment: ASXL2: BP4

NM_018263.6(ASXL2):c.3121G>C (p.Ala1041Pro)

Gene: ASXL2 (ASXL transcriptional regulator 2; minus strand). Cytogenetic location: 2p23.3.
Variant type: single nucleotide variant.
Coding change: c.3121G>C on transcript NM_018263.6 (MANE Select); coding-DNA position 3121, G replaced by C.
Protein change: p.Ala1041Pro; replaces alanine 1041 with proline.
Molecular consequence: missense variant.
Genome position (GRCh38, 1-based): chr2:25,743,216, C>G on the plus strand (G>C on the coding strand, the complement: ASXL2 is on the minus strand). VCF-style: chr2-25743216-C-G. GRCh37 (hg19) VCF-style: chr2-25966085-C-G.
Other names: c.2947G>C, p.Ala983Pro (NM_001369346.1); c.2341G>C, p.Ala781Pro (NM_001369347.1); short protein forms A1041P, A781P, A983P.
Identifiers: ClinVar variation 1543979 (VCV001543979.31), dbSNP rs771257056, ClinGen allele CA1557527.